The following is an entry in ClinVar:

NM_182961.4(SYNE1):c.8004+279G>T

Gene: SYNE1 (spectrin repeat containing nuclear envelope protein 1; minus strand). Cytogenetic location: 6q25.2.
Variant type: single nucleotide variant.
Coding change: c.8004+279G>T on transcript NM_182961.4 (MANE Select); 279 bases into the intron after coding-DNA position 8004, G replaced by T.
Molecular consequence: intron variant.
Genome position (GRCh38, 1-based): chr6:152,390,998, C>A on the plus strand (G>T on the coding strand, the complement: SYNE1 is on the minus strand). VCF-style: chr6-152390998-C-A. GRCh37 (hg19) VCF-style: chr6-152712133-C-A.
Other names: c.8025+279G>T (NM_033071.5).
Identifiers: ClinVar variation 683928 (VCV000683928.1), dbSNP rs9942536, ClinGen allele CA12253580.

ClinVar aggregate classification (germline): Benign (1 of 4 stars; one submission).

Allele frequency attached by ClinVar (database versions not stated): 1000 Genomes Project 30x 0.26234; 1000 Genomes Project 0.26518; TOPMed 0.26995; gnomAD 0.27456 and 0.27530.
gnomAD v4.1: 41,781 of 152,020 alleles (27%); highest among the groups gnomAD compares: Admixed American, 29%; 5,912 homozygotes.

Submission:

GeneDx
Classification: Benign. Last evaluated: 2018-06-18. Review status: criteria provided, single submitter. Criteria: GeneDx Variant Classification (06012015). Collection method: clinical testing. Allele origin: germline. Affected: yes.
Comment: This variant is considered likely benign or benign based on one or more of the following criteria: it is a conservative change, it occurs at a poorly conserved position in the protein, it is predicted to be benign by multiple in silico algorithms, and/or has population frequency not consistent with disease.